The following is an entry in ClinVar:

NM_201384.3(PLEC):c.6313_6314delinsAT (p.Ala2105Met)

Gene: PLEC (plectin; minus strand). Cytogenetic location: 8q24.3.
Variant type: Indel.
Coding change: c.6313_6314delinsAT on transcript NM_201384.3 (MANE Select); coding-DNA positions 6313 to 6314, GC replaced by AT.
Protein change: p.Ala2105Met; replaces alanine 2105 with methionine.
Molecular consequence: missense variant.
Genome position (GRCh38, 1-based): chr8:143,923,615-143,923,616, GC replaced by AT on the plus strand (GC replaced by AT on the coding strand, the reverse complement: PLEC is on the minus strand). VCF-style: chr8-143923615-GC-AT. GRCh37 (hg19) VCF-style: chr8-144997783-GC-AT.
Other names: p.Ala2132Met; c.6394_6395delinsAT (NM_000445.4, NM_000445.3); c.6394_6395delinsAT, p.Ala2132Met (NM_000445.5); c.6271_6272delinsAT, p.Ala2091Met (NM_201378.4); c.6247_6248delinsAT, p.Ala2083Met (NM_201379.3); c.6724_6725delinsAT, p.Ala2242Met (NM_201380.4); c.6217_6218delinsAT, p.Ala2073Met (NM_201381.3); c.6313_6314delinsAT, p.Ala2105Met (NM_201382.4); and 1 more; short protein forms A2083M, A2105M, A2109M, A2091M, A2132M, A2242M, A2073M.
Identifiers: ClinVar variation 281942 (VCV000281942.56), dbSNP rs886044784, ClinGen allele CA10604014.

ClinVar aggregate classification (germline): Conflicting classifications of pathogenicity. Review status: criteria provided, conflicting classifications (1 of 4 stars). 7 submissions from 7 submitters: Uncertain significance (4); Likely benign (2). 1 of the submissions does not count toward it. Last evaluated 2026-01-12.

Conditions:
PLEC-related disorder. Also called: PLEC-related condition; PLEC-related disorders.
Epidermolysis bullosa simplex 5B, with muscular dystrophy (EBS5B). Also called: EPIDERMOLYSIS BULLOSA SIMPLEX AND LIMB-GIRDLE MUSCULAR DYSTROPHY; Epidermolysis bullosa simplex with muscular dystrophy. Identifiers: Orphanet 257, MedGen C2931072, MONDO:0009181, OMIM 226670.
Epidermolysis bullosa simplex with nail dystrophy (EBS5D). Identifiers: MedGen C4225309, MONDO:0014661, OMIM 616487.
Autosomal recessive limb-girdle muscular dystrophy type 2Q (LGMDR17). Also called: MUSCULAR DYSTROPHY, LIMB-GIRDLE, AUTOSOMAL RECESSIVE 17. Identifiers: Orphanet 254361, MedGen C3150989, MONDO:0013390, OMIM 613723.
Epidermolysis bullosa simplex 5C, with pyloric atresia (EBS5C). Also called: PLEC1-Related Epidermolysis Bullosa with Pyloric Atresia; PLEC-Related Epidermolysis Bullosa with Pyloric Atresia; Epidermolysis bullosa simplex with pyloric atresia. Identifiers: Orphanet 158684, MedGen C2677349, MONDO:0012807, OMIM 612138.
Epidermolysis bullosa simplex, Ogna type (EBS5A). Also called: Pidermolysis bullosa simplex 5A, Ogna type; EPIDERMOLYSIS BULLOSA SIMPLEX 5A, OGNA TYPE. Identifiers: Orphanet 79401, MedGen C0432317, MONDO:0007555, OMIM 131950.

Submissions (7):

Labcorp Genetics (formerly Invitae), Labcorp
Classification: Uncertain significance for Autosomal recessive limb-girdle muscular dystrophy type 2Q; Epidermolysis bullosa simplex, Ogna type; Epidermolysis bullosa simplex with nail dystrophy; Epidermolysis bullosa simplex 5C, with pyloric atresia; Epidermolysis bullosa simplex 5B, with muscular dystrophy. Last evaluated: 2026-01-12. Review status: criteria provided, single submitter. Criteria: Invitae Variant Classification Sherloc (09022015). Collection method: clinical testing. Allele origin: germline.
Comment: This sequence change replaces alanine, which is neutral and non-polar, with methionine, which is neutral and non-polar, at codon 2132 of the PLEC protein (p.Ala2132Met). This variant is present in population databases (no rsID available, gnomAD 0.04%). This variant has not been reported in the literature in individuals affected with PLEC-related conditions. ClinVar contains an entry for this variant (Variation ID: 281942). An algorithm developed to predict the effect of missense changes on protein structure and function (PolyPhen-2) suggests that this variant is likely to be tolerated. In summary, the available evidence is currently insufficient to determine the role of this variant in disease. Therefore, it has been classified as a Variant of Uncertain Significance.

Mayo Clinic Laboratories, Mayo Clinic
Classification: Uncertain significance. Last evaluated: 2024-04-30. Review status: criteria provided, single submitter. Criteria: ACMG Guidelines, 2015. Collection method: clinical testing. Allele origin: germline. Observed: 1 variant allele.
Comment: BS1

GeneDx
Classification: Likely benign. Last evaluated: 2023-05-26. Review status: criteria provided, single submitter. Criteria: GeneDx Variant Classification Process June 2021. Collection method: clinical testing. Allele origin: germline. Affected: yes.
Comment: See Variant Classification Assertion Criteria.

Revvity Omics, Revvity
Classification: Uncertain significance. Last evaluated: 2021-05-07. Review status: criteria provided, single submitter. Criteria: ACMG Guidelines, 2015. Collection method: clinical testing. Allele origin: germline.

Athena Diagnostics
Classification: Likely benign. Last evaluated: 2020-06-25. Review status: criteria provided, single submitter. Criteria: Athena Diagnostics Criteria. Collection method: clinical testing. Allele origin: unknown.

Eurofins Ntd Llc (ga)
Classification: Uncertain significance. Last evaluated: 2015-07-10. Review status: criteria provided, single submitter. Criteria: EGL Classification Definitions 2015. Collection method: clinical testing. Allele origin: germline. Observed: 1 variant allele, 1 heterozygote.

PreventionGenetics, part of Exact Sciences
Classification: Uncertain significance for PLEC-related condition. Last evaluated: 2024-04-04. Review status: no assertion criteria provided. Collection method: clinical testing. Allele origin: germline. Not counted in ClinVar's aggregate classification.
Comment: The PLEC c.6394_6395delinsAT variant is predicted to result in an in-frame deletion and insertion. To our knowledge, this variant has not been reported in the literature or in a large population database, indicating this variant is rare. At this time, the clinical significance of this variant is uncertain due to the absence of conclusive functional and genetic evidence.